The following is an entry in ClinVar:

ClinVar aggregate classification (germline): Uncertain significance (1 of 4 stars; one submission).

Submission:

Labcorp Genetics (formerly Invitae), Labcorp
Classification: Uncertain significance. Last evaluated: 2024-12-18. Review status: criteria provided, single submitter. Criteria: Invitae Variant Classification Sherloc (09022015). Collection method: clinical testing. Allele origin: germline.
Comment: This sequence change replaces isoleucine, which is neutral and non-polar, with asparagine, which is neutral and polar, at codon 93 of the FH protein (p.Ile93Asn). This variant is not present in population databases (gnomAD no frequency). This variant has not been reported in the literature in individuals affected with FH-related conditions. Invitae Evidence Modeling of protein sequence and biophysical properties (such as structural, functional, and spatial information, amino acid conservation, physicochemical variation, residue mobility, and thermodynamic stability) indicates that this missense variant is expected to disrupt FH protein function with a positive predictive value of 95%. In summary, the available evidence is currently insufficient to determine the role of this variant in disease. Therefore, it has been classified as a Variant of Uncertain Significance.

NM_000143.4(FH):c.278T>A (p.Ile93Asn)

Gene: FH (fumarate hydratase; minus strand). Cytogenetic location: 1q43.
Variant type: single nucleotide variant.
Coding change: c.278T>A on transcript NM_000143.4 (MANE Select); coding-DNA position 278, T replaced by A.
Protein change: p.Ile93Asn; replaces isoleucine 93 with asparagine.
Molecular consequence: missense variant.
Genome position (GRCh38, 1-based): chr1:241,513,703, A>T on the plus strand (T>A on the coding strand, the complement: FH is on the minus strand). VCF-style: chr1-241513703-A-T. GRCh37 (hg19) VCF-style: chr1-241677003-A-T.
Other names: short protein forms I93N.
Identifiers: ClinVar variation 3719071 (VCV003719071.2).
Genomic context (GRCh38, chr1:241,513,703, plus strand): 5'-TCAAGACCATAATCCTGGTTTACTTCAGCGGCCGCTCGCTTCAAGATGCCAAAAGCTTTA[A>T]TAACTGGGGTCTAAAATTAATCAGAAAAATATTTCAAATTTACAATTTTACTTAAGCATG-3'
Protein context (NP_000134.2, residues 83-103): GVTERMPTPV[Ile93Asn]KAFGILKRAA